The following is an entry in ClinVar:

NM_000037.4(ANK1):c.328-2A>G

Gene: ANK1 (ankyrin 1; minus strand). Cytogenetic location: 8p11.21.
Variant type: single nucleotide variant.
Coding change: c.328-2A>G on transcript NM_000037.4 (MANE Select); the canonical splice acceptor site of the intron before coding-DNA position 328, A replaced by G.
Molecular consequence: splice acceptor variant.
Genome position (GRCh38, 1-based): chr8:41,727,350, T>C on the plus strand (A>G on the coding strand, the complement: ANK1 is on the minus strand). VCF-style: chr8-41727350-T-C. GRCh37 (hg19) VCF-style: chr8-41584868-T-C.
Other names: c.427-2A>G (NM_001142446.2); c.328-2A>G (NM_020477.3, NM_020475.3, NM_020476.3).
Identifiers: ClinVar variation 422526 (VCV000422526.3), dbSNP rs1064795837, ClinGen allele CA16618635.
Genomic context (GRCh38, chr8:41,727,350, plus strand): 5'-AACTTAACCACTTCCAAGTGGTTCTCTTGTGCTGCCATGTACAGGGGTGTAAAACCTTTC[T>C]GTAAACCAAGAGAGGACATCATTAGCATCCACCCGCAATTTAAGAAAGGCCTACACCAGC-3'

ClinVar aggregate classification (germline): Pathogenic/Likely pathogenic. Review status: criteria provided, multiple submitters, no conflicts (2 of 4 stars). 2 submissions from 2 submitters: Pathogenic (1); Likely pathogenic (1). Last evaluated 2025-08-03.

Submissions (2):

Labcorp Genetics (formerly Invitae), Labcorp
Classification: Pathogenic. Last evaluated: 2025-08-03. Review status: criteria provided, single submitter. Criteria: Invitae Variant Classification Sherloc (09022015). Collection method: clinical testing. Allele origin: germline.
Comment: This sequence change affects an acceptor splice site in intron 4 of the ANK1 gene. It is expected to disrupt RNA splicing. Variants that disrupt the donor or acceptor splice site typically lead to a loss of protein function (PMID: 16199547), and loss-of-function variants in ANK1 are known to be pathogenic (PMID: 8640229). This variant is not present in population databases (gnomAD no frequency). Disruption of this splice site has been observed in individuals with hereditary spherocytosis (PMID: 30486584, 37280519; internal data). This variant is also known as c.427-2A>G; c.427+2A>G. ClinVar contains an entry for this variant (Variation ID: 422526). Algorithms developed to predict the effect of sequence changes on RNA splicing suggest that this variant may disrupt the consensus splice site. For these reasons, this variant has been classified as Pathogenic.

GeneDx
Classification: Likely pathogenic. Last evaluated: 2016-10-21. Review status: criteria provided, single submitter. Criteria: GeneDx Variant Classification (06012015). Collection method: clinical testing. Allele origin: germline. Affected: yes.
Comment: The c.328-2A>G variant in the ANK1 gene has not been reported previously as a pathogenic variantnor as a benign variant, to our knowledge. This splice site variant destroys the canonical spliceacceptor site in intron 4, which is predicted to cause abnormal gene splicing. The c.328-2A>G variantwas not observed in approximately 6500 individuals of European and African American ancestry inthe NHLBI Exome Sequencing Project, indicating it is not a common benign variant in thesepopulations. Therefore, we interpret c.328-2A>G as a likely pathogenic variant

Literature cited by the submitters: PubMed 16199547 (cited by Labcorp Genetics (formerly Invitae), Labcorp); PubMed 8640229 (cited by Labcorp Genetics (formerly Invitae), Labcorp); PubMed 30486584 (cited by Labcorp Genetics (formerly Invitae), Labcorp); PubMed 37280519 (cited by Labcorp Genetics (formerly Invitae), Labcorp).